The following is an entry in ClinVar:

ClinVar aggregate classification (germline): Likely pathogenic (1 of 4 stars; one submission).

Conditions:
Tooth agenesis, selective, 4 (STHAG4). Also called: LATERAL INCISORS, ABSENCE OF; LATERAL INCISORS, PEGGED OR MISSING; TOOTH AGENESIS, SELECTIVE, 4, WITH OR WITHOUT ECTODERMAL DYSPLASIA; SUCCEDANEOUS TEETH, AGENESIS OF. Identifiers: Orphanet 99798, MedGen C1835492, MONDO:0007881, OMIM 150400. Disease mechanism: loss of function.

Submission:

Stomatology Center, Xiangya Hospital, Central South University
Classification: Likely pathogenic for Tooth agenesis, selective, 4. Review status: criteria provided, single submitter. Criteria: ACMG Guidelines, 2015. Collection method: research. Allele origin: unknown. Affected: yes. Observed: 1 heterozygote.
Comment: This variant has been identified as a compound heterozygote in a patient with hypohidrotic ectodermal dysplasia (PMID: 27657131). The c.354T>G (p.Y118*) WNT10A is a stopgain mutation and cause protein lost most of its protein structure compared with the wild-type.

Literature cited by the submitters: PubMed 27657131.

NM_025216.3(WNT10A):c.354T>G (p.Tyr118Ter)

Gene: WNT10A (Wnt family member 10A; plus strand). Cytogenetic location: 2q35.
Variant type: single nucleotide variant.
Coding change: c.354T>G on transcript NM_025216.3 (MANE Select); coding-DNA position 354, T replaced by G.
Protein change: p.Tyr118Ter; replaces tyrosine 118 with a stop codon.
Molecular consequence: nonsense.
Genome position (GRCh38, 1-based): chr2:218,882,401, T>G. VCF-style: chr2-218882401-T-G. GRCh37 (hg19) VCF-style: chr2-219747123-T-G.
Other names: short protein forms Y118*.
Identifiers: ClinVar variation 3383353 (VCV003383353.1).